The following is an entry in ClinVar:

ClinVar aggregate classification (germline): Uncertain significance (1 of 4 stars; one submission).

Conditions:
Hereditary cancer-predisposing syndrome. Also called: Neoplastic Syndromes, Hereditary; Tumor predisposition; Hereditary neoplastic syndrome; Hereditary Cancer Syndrome. Identifiers: Orphanet 140162, MedGen C0027672, MeSH D009386, MONDO:0015356.

Submission:

Ambry Genetics
Classification: Uncertain significance for Hereditary cancer-predisposing syndrome. Last evaluated: 2024-02-08. Review status: criteria provided, single submitter. Criteria: Ambry Variant Classification Scheme 2023. Collection method: clinical testing. Allele origin: germline.
Comment: The p.S2512R variant (also known as c.7536T>A), located in coding exon 15 of the APC gene, results from a T to A substitution at nucleotide position 7536. The serine at codon 2512 is replaced by arginine, an amino acid with dissimilar properties. This amino acid position is conserved. In addition, in silico predictors for this gene do not accurately predict pathogenicity. Based on the available evidence, the clinical significance of this alteration remains unclear.

NM_000038.6(APC):c.7536T>A (p.Ser2512Arg)

Gene: APC (APC regulator of Wnt signaling pathway; plus strand). Cytogenetic location: 5q22.2.
Variant type: single nucleotide variant.
Coding change: c.7536T>A on transcript NM_000038.6 (MANE Select); coding-DNA position 7536, T replaced by A.
Protein change: p.Ser2512Arg; replaces serine 2512 with arginine.
Molecular consequence: missense variant. On other transcripts: non-coding transcript variant (2).
Genome position (GRCh38, 1-based): chr5:112,843,130, T>A. VCF-style: chr5-112843130-T-A. GRCh37 (hg19) VCF-style: chr5-112178827-T-A.
Other names: c.7536T>A, p.Ser2512Arg (NM_001127510.3, NM_001354895.2, NM_001407450.1); c.7482T>A, p.Ser2494Arg (NM_001127511.3); c.7590T>A, p.Ser2530Arg (NM_001354896.2, NM_001407447.1, NM_001407448.1 and 1 more transcripts); c.7566T>A, p.Ser2522Arg (NM_001354897.2); c.7461T>A, p.Ser2487Arg (NM_001354898.2); c.7452T>A, p.Ser2484Arg (NM_001354899.2); c.7413T>A, p.Ser2471Arg (NM_001354900.2); c.7359T>A, p.Ser2453Arg (NM_001354901.2, NM_001407453.1); and 11 more; short protein forms S2128R, S2229R, S2352R, S2383R, S2386R, S2411R, S2421R, S2429R.
Identifiers: ClinVar variation 3231329 (VCV003231329.1), dbSNP rs587780604, ClinGen allele CA16037712.